The following is an entry in ClinVar:

NM_004082.5(DCTN1):c.3556A>G (p.Met1186Val)

Gene: DCTN1 (dynactin subunit 1; minus strand). Cytogenetic location: 2p13.1.
Variant type: single nucleotide variant.
Coding change: c.3556A>G on transcript NM_004082.5 (MANE Select); coding-DNA position 3556, A replaced by G.
Protein change: p.Met1186Val; replaces methionine 1186 with valine.
Molecular consequence: missense variant. On other transcripts: non-coding transcript variant (1).
Genome position (GRCh38, 1-based): chr2:74,362,703, T>C on the plus strand (A>G on the coding strand, the complement: DCTN1 is on the minus strand). VCF-style: chr2-74362703-T-C. GRCh37 (hg19) VCF-style: chr2-74589830-T-C.
Other names: c.3481A>G, p.Met1161Val (NM_001135040.3); c.3139A>G, p.Met1047Val (NM_001135041.3); c.3430A>G, p.Met1144Val (NM_001190836.2); c.3535A>G, p.Met1179Val (NM_001190837.2); c.3505A>G, p.Met1169Val (NM_001378991.1); c.3487A>G, p.Met1163Val (NM_001378992.1); c.3154A>G, p.Met1052Val (NM_023019.4); short protein forms M1052V, M1144V, M1186V, M1161V, M1047V, M1179V, M1163V, M1169V.
Identifiers: ClinVar variation 570153 (VCV000570153.11), dbSNP rs1477782343, ClinGen allele CA347336833.

ClinVar aggregate classification (germline): Uncertain significance (1 of 4 stars; one submission).

Conditions:
Amyotrophic lateral sclerosis type 1 (ALS1). Also called: AMYOTROPHIC LATERAL SCLEROSIS 1, FAMILIAL. Identifiers: Orphanet 803, MedGen C1862939, MONDO:0007103, OMIM 105400.
Perry syndrome. Also called: PARKINSONISM WITH ALVEOLAR HYPOVENTILATION AND MENTAL DEPRESSION. Identifiers: Orphanet 178509, MedGen C1868594, MONDO:0008201, OMIM 168605.
Neuronopathy, distal hereditary motor, type 7B. Also called: Distal Hereditary Motor Neuronopathy Type 7B (dHMN7B); NEURONOPATHY, DISTAL HEREDITARY MOTOR, AUTOSOMAL DOMINANT 14; NEURONOPATHY, DISTAL HEREDITARY MOTOR, HARDING TYPE VIIB; NEUROPATHY, DISTAL HEREDITARY MOTOR, HARDING TYPE VIIB; NEUROPATHY, DISTAL HEREDITARY MOTOR, WITH VOCAL CORD PARALYSIS, HARDING TYPE VIIB; HMN VIIB. Identifiers: Orphanet 139589, MedGen C1843315, MONDO:0011879, OMIM 607641.

Allele frequency attached by ClinVar (database versions not stated): gnomAD exomes below 0.00001; TOPMed below 0.00001.

Submission:

Labcorp Genetics (formerly Invitae), Labcorp
Classification: Uncertain significance for Amyotrophic lateral sclerosis type 1; Neuronopathy, distal hereditary motor, type 7B; Perry syndrome. Last evaluated: 2020-11-21. Review status: criteria provided, single submitter. Criteria: Invitae Variant Classification Sherloc (09022015). Collection method: clinical testing. Allele origin: germline.
Comment: In summary, the available evidence is currently insufficient to determine the role of this variant in disease. Therefore, it has been classified as a Variant of Uncertain Significance. Algorithms developed to predict the effect of missense changes on protein structure and function are either unavailable or do not agree on the potential impact of this missense change (SIFT: "Deleterious"; PolyPhen-2: "Benign"; Align-GVGD: "Class C0"). This variant has not been reported in the literature in individuals with DCTN1-related conditions. ClinVar contains an entry for this variant (Variation ID: 570153). This variant is not present in population databases (ExAC no frequency). This sequence change replaces methionine with valine at codon 1186 of the DCTN1 protein (p.Met1186Val). The methionine residue is weakly conserved and there is a small physicochemical difference between methionine and valine.